The following is an entry in ClinVar:

NM_015231.3(NUP160):c.902G>A (p.Arg301Gln)

Gene: NUP160 (nucleoporin 160; minus strand). Cytogenetic location: 11p11.2.
Variant type: single nucleotide variant.
Coding change: c.902G>A on transcript NM_015231.3 (MANE Select); coding-DNA position 902, G replaced by A.
Protein change: p.Arg301Gln; replaces arginine 301 with glutamine.
Molecular consequence: missense variant. On other transcripts: non-coding transcript variant (1).
Genome position (GRCh38, 1-based): chr11:47,835,748, C>T on the plus strand (G>A on the coding strand, the complement: NUP160 is on the minus strand). VCF-style: chr11-47835748-C-T. GRCh37 (hg19) VCF-style: chr11-47857300-C-T.
Other names: short protein forms R301Q.
Identifiers: ClinVar variation 1371811 (VCV001371811.3), dbSNP rs540295812, ClinGen allele CA5981484.

ClinVar aggregate classification (germline): Uncertain significance (1 of 4 stars; one submission).

Allele frequency attached by ClinVar (database versions not stated): gnomAD exomes 0.00002 and 0.00004; ExAC 0.00003; TOPMed 0.00001; gnomAD 0.00003; 1000 Genomes Project 30x 0.00016; 1000 Genomes Project 0.00020.
gnomAD v4.1: 29 of 1,604,846 alleles (0.0018%); highest among the groups gnomAD compares: South Asian, 0.017%; 1 homozygote.

Submission:

Labcorp Genetics (formerly Invitae), Labcorp
Classification: Uncertain significance. Last evaluated: 2021-11-27. Review status: criteria provided, single submitter. Criteria: Invitae Variant Classification Sherloc (09022015). Collection method: clinical testing. Allele origin: germline.
Comment: This sequence change replaces arginine, which is basic and polar, with glutamine, which is neutral and polar, at codon 335 of the NUP160 protein (p.Arg335Gln). This variant is present in population databases (rs540295812, gnomAD 0.02%). This variant has not been reported in the literature in individuals affected with NUP160-related conditions. Algorithms developed to predict the effect of missense changes on protein structure and function output the following: SIFT: "Not Available"; PolyPhen-2: "Benign"; Align-GVGD: "Not Available". The glutamine amino acid residue is found in multiple mammalian species, which suggests that this missense change does not adversely affect protein function. In summary, the available evidence is currently insufficient to determine the role of this variant in disease. Therefore, it has been classified as a Variant of Uncertain Significance.